The following is an entry in ClinVar:

ClinVar aggregate classification (germline): Uncertain significance. Review status: criteria provided, multiple submitters, no conflicts (2 of 4 stars). 2 submissions from 2 submitters: Uncertain significance (2). Last evaluated 2026-04-12.

Conditions:
PLEC-related disorder. Also called: PLEC-related disorders; PLEC-related condition.

Submissions (2):

PreventionGenetics, part of Exact Sciences
Classification: Uncertain significance for PLEC-related condition. Last evaluated: 2026-04-12. Review status: criteria provided, single submitter. Criteria: ACMG Guidelines, 2015. Collection method: clinical testing. Allele origin: germline.
Comment: The PLEC c.6259_6261delCAG variant is predicted to result in an in-frame deletion (p.Gln2087del). To our knowledge, this variant has not been reported in the literature or in a large population database (gnomAD), indicating this variant is rare. At this time, the clinical significance of this variant is uncertain due to the absence of conclusive functional and genetic evidence.

Blueprint Genetics
Classification: Uncertain significance. Last evaluated: 2022-06-09. Review status: criteria provided, single submitter. Criteria: ACMG Guidelines, 2015. Collection method: clinical testing. Allele origin: germline.

NM_201384.3(PLEC):c.6175CAG[1] (p.Gln2060del)

Gene: PLEC (plectin; minus strand). Cytogenetic location: 8q24.3.
Variant type: Microsatellite.
Coding change: c.6175CAG[1] on transcript NM_201384.3 (MANE Select); one copy of the 3-base unit CAG starting at c.6175; the reference has two copies in a row; one copy, 3 bases deleted.
Protein change: p.Gln2060del; deletes glutamine 2060.
Molecular consequence: intron variant (on NM_001410941.1).
Genome position (GRCh38, 1-based): chr8:143,923,749-143,923,751, CTG deleted on the plus strand (CAG on the coding strand, the reverse complement: PLEC is on the minus strand); deleting any 3 consecutive bases within chr8:143,923,749-143,923,755 gives the same sequence; the position shown is the placement nearest the transcript's 3' end. VCF-style (leftmost placement, unchanged base first): chr8-143923748-TCTG-T. GRCh37 (hg19) VCF-style: chr8-144997916-TCTG-T.
Other names: c.6259_6261delCAG (NM_000445.4); c.6256CAG[1], p.Gln2087del (NM_000445.5); c.6133CAG[1], p.Gln2046del (NM_201378.4); c.6109CAG[1], p.Gln2038del (NM_201379.3); c.6586CAG[1], p.Gln2197del (NM_201380.4); c.6079CAG[1], p.Gln2028del (NM_201381.3); c.6175CAG[1], p.Gln2060del (NM_201382.4); c.6187CAG[1], p.Gln2064del (NM_201383.3); and 1 more; short protein forms Q2060del, Q2064del, Q2028del, Q2087del, Q2038del, Q2197del, Q2046del.
Identifiers: ClinVar variation 4901968 (VCV004901968.2).
Genomic context (GRCh38, chr8:143,923,748, plus strand): 5'-CGCGCAGCTGGTCCAGCACGCTCTGCTCCTGCTGCAGCGTCTGCTGTAGCTCCTGCTCCT[TCTG>T]CTGCACCGCGAAGGCGTGTGCCTTCTCTTCCGCCTGCAGCCGCTTCTGGGCGGCCTCCTG-3'